The following is an entry in ClinVar:

NM_006876.3(B4GAT1):c.271G>A (p.Asp91Asn)

Gene: B4GAT1 (beta-1,4-glucuronyltransferase 1; minus strand). Cytogenetic location: 11q13.2.
Variant type: single nucleotide variant.
Coding change: c.271G>A on transcript NM_006876.3 (MANE Select); coding-DNA position 271, G replaced by A.
Protein change: p.Asp91Asn; replaces aspartic acid 91 with asparagine.
Molecular consequence: missense variant.
Genome position (GRCh38, 1-based): chr11:66,347,275, C>T on the plus strand (G>A on the coding strand, the complement: B4GAT1 is on the minus strand). VCF-style: chr11-66347275-C-T. GRCh37 (hg19) VCF-style: chr11-66114746-C-T.
Other names: short protein forms D91N.
Identifiers: ClinVar variation 1369250 (VCV001369250.34), dbSNP rs1855236030, ClinGen allele CA381418739.

ClinVar aggregate classification (germline): Uncertain significance. Review status: criteria provided, multiple submitters, no conflicts (2 of 4 stars). 2 submissions from 2 submitters: Uncertain significance (2). Last evaluated 2023-12-07.

Conditions:
Muscular dystrophy-dystroglycanopathy (congenital with brain and eye anomalies), type A13. Also called: WALKER-WARBURG SYNDROME OR MUSCLE-EYE-BRAIN DISEASE, B3GNT1-RELATED; Muscular dystrophy-dystroglycanopathy (congenital with brain and eye anomalies), type a, 13. Identifiers: Orphanet 899, MedGen C3809042, MONDO:0014120, OMIM 615287.

Submissions (2):

Labcorp Genetics (formerly Invitae), Labcorp
Classification: Uncertain significance for Muscular dystrophy-dystroglycanopathy (congenital with brain and eye anomalies), type A13. Last evaluated: 2023-12-07. Review status: criteria provided, single submitter. Criteria: Invitae Variant Classification Sherloc (09022015). Collection method: clinical testing. Allele origin: germline.
Comment: This sequence change replaces aspartic acid, which is acidic and polar, with asparagine, which is neutral and polar, at codon 91 of the B4GAT1 protein (p.Asp91Asn). This variant is not present in population databases (gnomAD no frequency). This variant has not been reported in the literature in individuals affected with B4GAT1-related conditions. ClinVar contains an entry for this variant (Variation ID: 1369250). Advanced modeling of protein sequence and biophysical properties (such as structural, functional, and spatial information, amino acid conservation, physicochemical variation, residue mobility, and thermodynamic stability) performed at Invitae indicates that this missense variant is not expected to disrupt B4GAT1 protein function with a negative predictive value of 80%. In summary, the available evidence is currently insufficient to determine the role of this variant in disease. Therefore, it has been classified as a Variant of Uncertain Significance.

CeGaT Center for Human Genetics Tuebingen
Classification: Uncertain significance. Last evaluated: 2023-06-01. Review status: criteria provided, single submitter. Criteria: CeGaT Center For Human Genetics Tuebingen Variant Classification Criteria Version 2. Collection method: clinical testing. Allele origin: germline. Affected: yes. Observed: 1 variant allele.
Comment: B4GAT1: PM2